The following continues an entry in ClinVar:

NM_002834.5(PTPN11):c.184T>G (p.Tyr62Asp)

Gene: PTPN11. ClinVar aggregate classification (germline): Pathogenic. Pathogenic (1).

Submissions 16 to 30 of 30:

Women's Health and Genetics/Laboratory Corporation of America, LabCorp
Classification: Pathogenic for Rasopathy. Last evaluated: 2020-04-09. Review status: criteria provided, single submitter. Criteria: LabCorp Variant Classification Summary - May 2015. Collection method: clinical testing. Allele origin: germline. Inheritance: Autosomal dominant inheritance. Not counted in ClinVar's aggregate classification.
Comment: Variant summary: PTPN11 c.184T>G (p.Tyr62Asp) results in a non-conservative amino acid change located in the SH2 domain (IPR000980) of the encoded protein sequence. Five of five in-silico tools predict a damaging effect of the variant on protein function. The variant was absent in 251414 control chromosomes (gnomAD). c.184T>G has been reported in the literature in multiple individuals affected with Noonan Syndrome and Related Conditions (e.g. Limal_2006, Sarkozy_2003, Tartaglia_2002). These data indicate that the variant is very likely to be associated with disease. In in vitro functional studies, the variant resulted in increased PTPN11 activity (Martinelli_2012). Nine ClinVar submitters (evaluation after 2014) cite the variant as pathogenic. Based on the evidence outlined above, the variant was classified as pathogenic.

Genome Diagnostics Laboratory, The Hospital for Sick Children
Classification: Pathogenic for Noonan syndrome and Noonan-related syndrome. Last evaluated: 2019-05-27. Review status: criteria provided, single submitter. Criteria: ACMG Guidelines, 2015. Collection method: clinical testing. Allele origin: germline. Affected: yes. Not counted in ClinVar's aggregate classification.

HudsonAlpha Institute for Biotechnology
Classification: Pathogenic for Noonan syndrome 1. Last evaluated: 2019-01-10. Review status: criteria provided, single submitter. Criteria: ACMG Guidelines, 2015. Collection method: research. Allele origin: de novo. Affected: yes. Observed: 1 variant allele. Study: CSER-SouthSeq. Not counted in ClinVar's aggregate classification.
Comment: ACMG codes: PS2, PS3, PM2, PP3, PP5

Fulgent Genetics
Classification: Pathogenic for LEOPARD syndrome 1; Metachondromatosis; Noonan syndrome 1; Juvenile myelomonocytic leukemia. Last evaluated: 2018-10-31. Review status: criteria provided, single submitter. Criteria: ACMG Guidelines, 2015. Collection method: clinical testing. Allele origin: unknown. Not counted in ClinVar's aggregate classification.

Eurofins Ntd Llc (ga)
Classification: Pathogenic. Last evaluated: 2018-02-13. Review status: criteria provided, single submitter. Criteria: EGL ClinVar v180209 classification definitions. Collection method: clinical testing. Allele origin: germline. Observed: 2 variant alleles, 2 heterozygotes. Not counted in ClinVar's aggregate classification.

Embryology Laboratory, Victor Chang Cardiac Research Institute
Classification: Pathogenic for Patent ductus arteriosus; Atrial septal defect, ostium secundum type; Tricuspid regurgitation; Dysplastic pulmonary valve; Failure to thrive; Right ventricular hypertrophy. Last evaluated: 2017-09-08. Review status: criteria provided, single submitter. Criteria: ACMG Guidelines, 2015. Collection method: research. Allele origin: de novo. Inheritance: Sporadic. Affected: yes. Observed: 1 variant allele. Not counted in ClinVar's aggregate classification.

Molecular Diagnostics Lab, Nemours Children's Health, Delaware
Classification: Pathogenic. Last evaluated: 2015-10-05. Review status: criteria provided, single submitter. Criteria: ACMG Guidelines, 2015. Collection method: clinical testing. Allele origin: unknown. Affected: yes. Observed: 1 variant allele. Not counted in ClinVar's aggregate classification.

Laboratory for Molecular Medicine, Mass General Brigham Personalized Medicine
Classification: Pathogenic for Noonan syndrome; Juvenile myelomonocytic leukemia. Last evaluated: 2014-05-23. Review status: criteria provided, single submitter. Criteria: LMM Criteria. Collection method: clinical testing. Allele origin: germline. Inheritance: Autosomal dominant inheritance. Observed: 9 variant alleles. Not counted in ClinVar's aggregate classification.
Comment: The p.Tyr62Asp variant in PTPN11 has been reported in many individuals with the clinical features of Noonan syndrome as well as an individual with Noonan syndro me and juvenile myelomonocytic leukemia (JMML; Tartaglia 2002, Tartaglia 2006, M aheshwari 2002, Bertola 2006, Beneteau 2009, LMM data). This variant has been re ported to have occurred de novo in an affected individual (Maheshwari 2002). In addition, this variant has not been identified in large population studies. In s ummary, the p.Tyr62Asp variant meets our criteria to be classified as pathogenic for Noonan syndrome in an autosomal dominant manner.

Center for Genomics, Ann and Robert H. Lurie Children's Hospital of Chicago
Classification: Pathogenic for Noonan syndrome 1; LEOPARD syndrome 1; Metachondromatosis; Juvenile myelomonocytic leukemia. Review status: criteria provided, single submitter. Criteria: ACMG Guidelines, 2015. Collection method: clinical testing. Allele origin: germline. Not counted in ClinVar's aggregate classification.
Comment: PTPN11 NM_0002834.4 exon 3 p.Tyr62Asp (c.184T>G): This variant has been reported in the literature in several individuals with Noonan syndrome, including multiple de novo occurrences (Tartaglia 2002 PMID:11992261, Fitzgerald 2015 PMID:25533962, Jin 2017 PMID:28991257, Kosmicki 2017 PMID:28191890, McRae 2017 PMID:28135719, Szot 2018 PMID:29555671, Chinton 2019 PMID:31560489, Leach 2019 PMID:29907801, Athota 2020 PMID:32164556). This variant is not present in large control databases but is present in ClinVar, with several labs classifying this variant as pathogenic, including the ClinGen RASopathy Expert Panel (Variation ID:13329). This variant is located within the N-terminal SH2 domain, which acts as a molecular switch between the active and inactive states of SHP2 (Hof 1998 PMID: 9491886, Martinelli 2012 PMID:22711529). An in vitro functional study has shown a gain-of-function effect of this variant on the SHP2 protein product encoded by PTPN11 (Martinelli 2012 PMID:22711529). However, this study may not accurately represent in vivo biological function. In addition, evolutionary conservation and computational predictive tools suggest that this variant may impact the protein. In summary, this variant is classified as pathogenic based on the data above.

Institute for Genomic Statistics and Bioinformatics, University Hospital Bonn
Classification: Pathogenic for Noonan syndrome 1. Review status: criteria provided, single submitter. Criteria: ACMG Guidelines, 2015. Collection method: clinical testing. Allele origin: unknown. Affected: yes. Observed: 1 variant allele. Not counted in ClinVar's aggregate classification.

Juno Genomics, Hangzhou Juno Genomics, Inc
Classification: Pathogenic for Noonan syndrome 1. Review status: criteria provided, single submitter. Criteria: ACMG Guidelines, 2015. Collection method: clinical testing. Allele origin: germline. Affected: yes. Not counted in ClinVar's aggregate classification.
Comment: Absent from controls (or at extremely low frequency if recessive) in Genome Aggregation Database.;Missense variant in a gene that has a low rate of benign missense variation.;Multiple lines of computational evidence support a deleterious effect on the gene or gene product.;Located in a mutational hot spot and/or critical and well-established functional domain without benign variation.;The prevalence of the variant in affected individuals is significantly increased compared to the prevalence in controls.;Assumed de novo, but without confirmation of paternity and maternity.;Well-established in vitro or in vivo functional studies supportive of a damaging effect on the gene or gene product.

Greenwood Genetic Center Diagnostic Laboratories, Greenwood Genetic Center
Classification: Pathogenic. Last evaluated: 2015-01-15. Review status: no assertion criteria provided. Collection method: clinical testing. Allele origin: germline. Not counted in ClinVar's aggregate classification.

ARUP Laboratories, Molecular Genetics and Genomics, ARUP Laboratories
Classification: Pathogenic for Noonan syndrome. Last evaluated: 2014-01-17. Review status: no assertion criteria provided. Collection method: clinical testing. Allele origin: germline. Affected: yes. Observed: 1 variant allele. Not counted in ClinVar's aggregate classification.

OMIM
Classification: Pathogenic for NOONAN SYNDROME 1. Last evaluated: 2002-10-01. Review status: no assertion criteria provided. Collection method: literature only. Allele origin: germline. Not counted in ClinVar's aggregate classification.

Baylor Genetics
Classification: Pathogenic for Rasopathy. Review status: no assertion criteria provided. Collection method: clinical testing. Allele origin: unknown. Affected: yes. Not counted in ClinVar's aggregate classification.
Comment: Variant classified using ACMG guidelines

Literature cited by the submitters: PubMed 22711529 (cited by 10 submitters); PubMed 26817465 (cited by 3 submitters); PubMed 11992261 (cited by 13 submitters); PubMed 17020470 (cited by 5 submitters); PubMed 12325025 (cited by 9 submitters); PubMed 19352411 (cited by 5 submitters); PubMed 15240615 (cited by Labcorp Genetics (formerly Invitae), Labcorp); PubMed 16358218 (cited by 6 submitters); PubMed 19020799 (cited by Labcorp Genetics (formerly Invitae), Labcorp and Ambry Genetics); PubMed 12634870 (cited by Ambry Genetics); PubMed 12960218 (cited by Ambry Genetics and Women's Health and Genetics/Laboratory Corporation of America, LabCorp); PubMed 15001945 (cited by Ambry Genetics); PubMed 15604238 (cited by Ambry Genetics); PubMed 15928039 (cited by Ambry Genetics and Laboratory for Molecular Medicine, Mass General Brigham Personalized Medicine); PubMed 15985475 (cited by Ambry Genetics); PubMed 21407260 (cited by Ambry Genetics); PubMed 22465605 (cited by Ambry Genetics); PubMed 29493581 (cited by Dasa); PubMed 19077116 (cited by 3billion); PubMed 17339163 (cited by 3billion); PubMed 25533962 (cited by 3billion); PubMed 32164556 (cited by 3billion and Mayo Clinic Laboratories, Mayo Clinic); PubMed 31560489 (cited by 3billion and Mayo Clinic Laboratories, Mayo Clinic); PubMed 21533187 (cited by Victorian Clinical Genetics Services, Murdoch Childrens Research Institute); PubMed 24935154 (cited by Victorian Clinical Genetics Services, Murdoch Childrens Research Institute); PubMed 16263833 (cited by Women's Health and Genetics/Laboratory Corporation of America, LabCorp); PubMed 29907801 (cited by Women's Health and Genetics/Laboratory Corporation of America, LabCorp); PubMed 12717436 (cited by Eurofins Ntd Llc (ga) and Laboratory for Molecular Medicine, Mass General Brigham Personalized Medicine); PubMed 29555671 (cited by Embryology Laboratory, Victor Chang Cardiac Research Institute).